The following is an entry in ClinVar:

NM_012431.3(SEMA3E):c.1822C>T (p.Gln608Ter)

Gene: SEMA3E (semaphorin 3E; minus strand). Cytogenetic location: 7q21.11.
Variant type: single nucleotide variant.
Coding change: c.1822C>T on transcript NM_012431.3 (MANE Select); coding-DNA position 1822, C replaced by T.
Protein change: p.Gln608Ter; replaces glutamine 608 with a stop codon.
Molecular consequence: nonsense.
Genome position (GRCh38, 1-based): chr7:83,385,347, G>A on the plus strand (C>T on the coding strand, the complement: SEMA3E is on the minus strand). VCF-style: chr7-83385347-G-A. GRCh37 (hg19) VCF-style: chr7-83014663-G-A.
Other names: c.1642C>T, p.Gln548Ter (NM_001178129.2); short protein forms Q608*, Q548*.
Identifiers: ClinVar variation 2720446 (VCV002720446.3), dbSNP rs377026121, ClinGen allele CA4321892.
Genomic context (GRCh38, chr7:83,385,347, plus strand): 5'-GAATTACCTCCTCTTTTCTTGTCTCACGTCCTTTCTGTACAAACCAGATAACTTTCGCTT[G>A]TAAAGATCGTGGGGTACATTCCAGCAAAGTACTGTTGTTCTCTATGCCATAAGCCAGATG-3'

ClinVar aggregate classification (germline): Uncertain significance (1 of 4 stars; one submission).

Conditions:
CHARGE syndrome (CHARGE). Also called: Hittner Hirsch Kreh syndrome; CHARGE ASSOCIATION--COLOBOMA, HEART ANOMALY, CHOANAL ATRESIA, RETARDATION, GENITAL AND EAR ANOMALIES; Coloboma, heart anomaly, choanal atresia, retardation, genital and ear anomalies; CHARGE association; Hall-Hittner syndrome. Identifiers: Orphanet 138, MedGen C0265354, MONDO:0008965.

Allele frequency attached by ClinVar (database versions not stated): ExAC 0.00001; ESP Exome Variant Server 0.00008.

Submission:

Labcorp Genetics (formerly Invitae), Labcorp
Classification: Uncertain significance for CHARGE syndrome. Last evaluated: 2023-07-05. Review status: criteria provided, single submitter. Criteria: Invitae Variant Classification Sherloc (09022015). Collection method: clinical testing. Allele origin: germline.
Comment: This variant is present in population databases (rs377026121, gnomAD 0.0009%). This sequence change creates a premature translational stop signal (p.Gln608*) in the SEMA3E gene. It is expected to result in an absent or disrupted protein product. However, the current clinical and genetic evidence is not sufficient to establish whether loss-of-function variants in SEMA3E cause disease. This variant has not been reported in the literature in individuals affected with SEMA3E-related conditions. In summary, the available evidence is currently insufficient to determine the role of this variant in disease. Therefore, it has been classified as a Variant of Uncertain Significance.